The following is an entry in ClinVar:

NM_004655.4(AXIN2):c.255A>T (p.Leu85Phe)

Gene: AXIN2 (axin 2; minus strand). Cytogenetic location: 17q24.1.
Variant type: single nucleotide variant.
Coding change: c.255A>T on transcript NM_004655.4 (MANE Select); coding-DNA position 255, A replaced by T.
Protein change: p.Leu85Phe; replaces leucine 85 with phenylalanine.
Molecular consequence: missense variant.
Genome position (GRCh38, 1-based): chr17:65,558,366, T>A on the plus strand (A>T on the coding strand, the complement: AXIN2 is on the minus strand). VCF-style: chr17-65558366-T-A. GRCh37 (hg19) VCF-style: chr17-63554484-T-A.
Other names: c.255A>T, p.Leu85Phe (NM_001363813.1); short protein forms L85F.
Identifiers: ClinVar variation 5032541 (VCV005032541.1).
Genomic context (GRCh38, chr17:65,558,366, plus strand): 5'-CACGCATTTCTCCCTCTCCAGGAAAGTTCGGAACAGGTAAGCACCGTCTTGATCGCCCAA[T>A]AAGGAGTGTAAGGACTTGGTCCACCGGGTCAGAGGGGAATCCGGAGATGCCCGCCCCTCC-3'
Protein context (NP_004646.3, residues 75-95): LTRWTKSLHS[Leu85Phe]LGDQDGAYLF

ClinVar aggregate classification (germline): Uncertain significance (1 of 4 stars; one submission).

Conditions:
Hereditary cancer-predisposing syndrome. Also called: Neoplastic Syndromes, Hereditary; Tumor predisposition; Hereditary neoplastic syndrome; Hereditary Cancer Syndrome. Identifiers: Orphanet 140162, MedGen C0027672, MeSH D009386, MONDO:0015356.

Submission:

Ambry Genetics
Classification: Uncertain significance for Hereditary cancer-predisposing syndrome. Last evaluated: 2026-07-06. Review status: criteria provided, single submitter. Criteria: Ambry Variant Classification Scheme 2023. Collection method: clinical testing. Allele origin: germline.
Comment: The p.L85F variant (also known as c.255A>T), located in coding exon 1 of the AXIN2 gene, results from an A to T substitution at nucleotide position 255. The leucine at codon 85 is replaced by phenylalanine, an amino acid with highly similar properties. This amino acid position is conserved. In addition, the in silico prediction for this alteration is inconclusive. Based on the available evidence, the clinical significance of this variant remains unclear.